The following is an entry in ClinVar:

NM_014269.4(ADAM29):c.2304T>C (p.Ser768=)

Gene: ADAM29 (ADAM metallopeptidase domain 29; plus strand). Cytogenetic location: 4q34.1.
Variant type: single nucleotide variant.
Coding change: c.2304T>C on transcript NM_014269.4 (MANE Select); coding-DNA position 2304, T replaced by C.
Protein change: p.Ser768=; no amino-acid change (serine 768 retained).
Molecular consequence: synonymous variant.
Genome position (GRCh38, 1-based): chr4:174,977,829, T>C. VCF-style: chr4-174977829-T-C. GRCh37 (hg19) VCF-style: chr4-175898980-T-C.
Other names: c.2304T>C, p.Ser768= (NM_001130703.1, NM_001130704.1, NM_001130705.1 and 3 more transcripts).
Identifiers: ClinVar variation 2655194 (VCV002655194.24), dbSNP rs200904503, ClinGen allele CA3143308.

ClinVar aggregate classification (germline): Likely benign (1 of 4 stars; one submission).

Allele frequency attached by ClinVar (database versions not stated): ExAC 0.00002.

Submission:

CeGaT Center for Human Genetics Tuebingen
Classification: Likely benign. Last evaluated: 2023-01-01. Review status: criteria provided, single submitter. Criteria: CeGaT Center For Human Genetics Tuebingen Variant Classification Criteria Version 2. Collection method: clinical testing. Allele origin: germline. Affected: yes. Observed: 1 variant allele.
Comment: ADAM29: BP4, BP7